The following is an entry in ClinVar:

ClinVar aggregate classification (germline): Likely benign (0 of 4 stars; one submission).

Conditions:
PLXNA2-related disorder. Also called: PLXNA2-related condition.

gnomAD v4.1: 2 of 1,614,056 alleles (0.00012%); highest among the groups gnomAD compares: African/African-American, 0.0013%; no homozygotes.

Submission:

PreventionGenetics, part of Exact Sciences
Classification: Likely benign for PLXNA2-related condition. Last evaluated: 2023-12-19. Review status: no assertion criteria provided. Collection method: clinical testing. Allele origin: germline.
Comment: This variant is classified as likely benign based on ACMG/AMP sequence variant interpretation guidelines (Richards et al. 2015 PMID: 25741868, with internal and published modifications).

NM_025179.4(PLXNA2):c.3633G>A (p.Lys1211=)

Gene: PLXNA2 (plexin A2; minus strand). Cytogenetic location: 1q32.2.
Variant type: single nucleotide variant.
Coding change: c.3633G>A on transcript NM_025179.4 (MANE Select); coding-DNA position 3633, G replaced by A.
Protein change: p.Lys1211=; no amino-acid change (lysine 1211 retained).
Molecular consequence: synonymous variant.
Genome position (GRCh38, 1-based): chr1:208,045,073, C>T on the plus strand (G>A on the coding strand, the complement: PLXNA2 is on the minus strand). VCF-style: chr1-208045073-C-T. GRCh37 (hg19) VCF-style: chr1-208218418-C-T.
Identifiers: ClinVar variation 3355826 (VCV003355826.1).